The following is an entry in ClinVar:

ClinVar aggregate classification (germline): Uncertain significance (1 of 4 stars; one submission).

Conditions:
Amyotrophic lateral sclerosis type 15. Also called: AMYOTROPHIC LATERAL SCLEROSIS 15 WITH FRONTOTEMPORAL DEMENTIA. Identifiers: Orphanet 803, MedGen C3275459, MONDO:0010459, OMIM 300857.

Submission:

Labcorp Genetics (formerly Invitae), Labcorp
Classification: Uncertain significance for Amyotrophic lateral sclerosis type 15. Last evaluated: 2026-01-07. Review status: criteria provided, single submitter. Criteria: Invitae Variant Classification Sherloc (09022015). Collection method: clinical testing. Allele origin: germline.
Comment: This sequence change replaces isoleucine, which is neutral and non-polar, with asparagine, which is neutral and polar, at codon 513 of the UBQLN2 protein (p.Ile513Asn). This variant is not present in population databases (gnomAD no frequency). This variant has not been reported in the literature in individuals affected with UBQLN2-related conditions. Experimental studies and prediction algorithms are not available or were not evaluated, and the functional significance of this variant is currently unknown. In summary, the available evidence is currently insufficient to determine the role of this variant in disease. Therefore, it has been classified as a Variant of Uncertain Significance.

NM_013444.4(UBQLN2):c.1538T>A (p.Ile513Asn)

Gene: UBQLN2 (ubiquilin 2; plus strand). Cytogenetic location: Xp11.21.
Variant type: single nucleotide variant.
Coding change: c.1538T>A on transcript NM_013444.4 (MANE Select); coding-DNA position 1538, T replaced by A.
Protein change: p.Ile513Asn; replaces isoleucine 513 with asparagine.
Molecular consequence: missense variant.
Genome position (GRCh38, 1-based): chrX:56,565,411, T>A. VCF-style: chrX-56565411-T-A. GRCh37 (hg19) VCF-style: chrX-56591844-T-A.
Other names: short protein forms I513N.
Identifiers: ClinVar variation 4748810 (VCV004748810.1).